The following is an entry in ClinVar:

ClinVar aggregate classification (germline): Uncertain significance (1 of 4 stars; one submission).

gnomAD v4.1: 1 of 1,614,148 alleles (0.000062%); highest among the groups gnomAD compares: East Asian, 0.0022%; no homozygotes.

Submission:

Labcorp Genetics (formerly Invitae), Labcorp
Classification: Uncertain significance. Last evaluated: 2024-02-26. Review status: criteria provided, single submitter. Criteria: Invitae Variant Classification Sherloc (09022015). Collection method: clinical testing. Allele origin: germline.
Comment: This sequence change replaces serine, which is neutral and polar, with asparagine, which is neutral and polar, at codon 312 of the PCARE protein (p.Ser312Asn). This variant is not present in population databases (gnomAD no frequency). This missense change has been observed in individual(s) with clinical features of PCARE-related conditions (PMID: 21412943). An algorithm developed to predict the effect of missense changes on protein structure and function (PolyPhen-2) suggests that this variant is likely to be tolerated. In summary, the available evidence is currently insufficient to determine the role of this variant in disease. Therefore, it has been classified as a Variant of Uncertain Significance.

Literature cited by the submitters: PubMed 21412943.

NM_001029883.3(PCARE):c.935G>A (p.Ser312Asn)

Gene: PCARE (photoreceptor cilium actin regulator; minus strand). Cytogenetic location: 2p23.2.
Variant type: single nucleotide variant.
Coding change: c.935G>A on transcript NM_001029883.3 (MANE Select); coding-DNA position 935, G replaced by A.
Protein change: p.Ser312Asn; replaces serine 312 with asparagine.
Molecular consequence: missense variant.
Genome position (GRCh38, 1-based): chr2:29,073,327, C>T on the plus strand (G>A on the coding strand, the complement: PCARE is on the minus strand). VCF-style: chr2-29073327-C-T. GRCh37 (hg19) VCF-style: chr2-29296193-C-T.
Other names: short protein forms S312N.
Identifiers: ClinVar variation 3690860 (VCV003690860.2).